The following is an entry in ClinVar:

NM_020975.6(RET):c.791A>G (p.Asp264Gly)

Gene: RET (ret proto-oncogene; plus strand). Cytogenetic location: 10q11.21.
Variant type: single nucleotide variant.
Coding change: c.791A>G on transcript NM_020975.6 (MANE Select); coding-DNA position 791, A replaced by G.
Protein change: p.Asp264Gly; replaces aspartic acid 264 with glycine.
Molecular consequence: missense variant.
Genome position (GRCh38, 1-based): chr10:43,105,117, A>G. VCF-style: chr10-43105117-A-G. GRCh37 (hg19) VCF-style: chr10-43600565-A-G.
Other names: c.791A>G, p.Asp264Gly (NM_000323.2, NM_001406743.1, NM_001406744.1 and 8 more transcripts); c.29A>G, p.Asp10Gly (NM_001355216.2); c.662A>G, p.Asp221Gly (NM_001406761.1, NM_001406762.1, NM_001406764.1 and 2 more transcripts); c.503A>G, p.Asp168Gly (NM_001406766.1, NM_001406767.1, NM_001406770.1); short protein forms D10G, D264G, D221G, D168G.
Identifiers: ClinVar variation 939953 (VCV000939953.8), dbSNP rs1393343313, ClinGen allele CA376545089.

ClinVar aggregate classification (germline): Uncertain significance (1 of 4 stars; one submission).

Conditions:
Multiple endocrine neoplasia, type 2 (MEN2). Identifiers: Orphanet 653, MedGen C4048306, MONDO:0019003. Disease mechanism: gain of function.

Submission:

Labcorp Genetics (formerly Invitae), Labcorp
Classification: Uncertain significance for Multiple endocrine neoplasia, type 2. Last evaluated: 2022-02-19. Review status: criteria provided, single submitter. Criteria: Invitae Variant Classification Sherloc (09022015). Collection method: clinical testing. Allele origin: germline.
Comment: In summary, the available evidence is currently insufficient to determine the role of this variant in disease. Therefore, it has been classified as a Variant of Uncertain Significance. Algorithms developed to predict the effect of missense changes on protein structure and function are either unavailable or do not agree on the potential impact of this missense change (SIFT: "Deleterious"; PolyPhen-2: "Benign"; Align-GVGD: "Class C0"). ClinVar contains an entry for this variant (Variation ID: 939953). This variant has not been reported in the literature in individuals affected with RET-related conditions. This variant is not present in population databases (gnomAD no frequency). This sequence change replaces aspartic acid, which is acidic and polar, with glycine, which is neutral and non-polar, at codon 264 of the RET protein (p.Asp264Gly).